The following is an entry in ClinVar:

ClinVar aggregate classification (germline): Uncertain significance (1 of 4 stars; one submission).

Conditions:
Tuberous sclerosis 1 (TSC1). Identifiers: Orphanet 805, MedGen C1854465, MONDO:0008612, OMIM 191100.

Submission:

Labcorp Genetics (formerly Invitae), Labcorp
Classification: Uncertain significance for Tuberous sclerosis 1. Last evaluated: 2024-12-02. Review status: criteria provided, single submitter. Criteria: Invitae Variant Classification Sherloc (09022015). Collection method: clinical testing. Allele origin: germline.
Comment: This sequence change replaces methionine, which is neutral and non-polar, with isoleucine, which is neutral and non-polar, at codon 122 of the TSC1 protein (p.Met122Ile). This variant is not present in population databases (gnomAD no frequency). This variant has not been reported in the literature in individuals affected with TSC1-related conditions. ClinVar contains an entry for this variant (Variation ID: 2763359). Invitae Evidence Modeling of protein sequence and biophysical properties (such as structural, functional, and spatial information, amino acid conservation, physicochemical variation, residue mobility, and thermodynamic stability) indicates that this missense variant is not expected to disrupt TSC1 protein function with a negative predictive value of 95%. In summary, the available evidence is currently insufficient to determine the role of this variant in disease. Therefore, it has been classified as a Variant of Uncertain Significance.

NM_000368.5(TSC1):c.366G>A (p.Met122Ile)

Gene: TSC1 (TSC complex subunit 1; minus strand). Cytogenetic location: 9q34.13.
Variant type: single nucleotide variant.
Coding change: c.366G>A on transcript NM_000368.5 (MANE Select); coding-DNA position 366, G replaced by A.
Protein change: p.Met122Ile; replaces methionine 122 with isoleucine.
Molecular consequence: missense variant. On other transcripts: initiator codon variant (13), 5 prime UTR variant (5), non-coding transcript variant (5).
Genome position (GRCh38, 1-based): chr9:132,923,490, C>T on the plus strand (G>A on the coding strand, the complement: TSC1 is on the minus strand). VCF-style: chr9-132923490-C-T. GRCh37 (hg19) VCF-style: chr9-135798877-C-T.
Other names: c.366G>A, p.Met122Ile (NM_001162426.2, NM_001406592.1, NM_001406593.1 and 16 more transcripts); c.213G>A, p.Met71Ile (NM_001162427.2, NM_001406610.1, NM_001406611.1 and 2 more transcripts); c.3G>A, p.Met1Ile (NM_001362177.2, NM_001406614.1, NM_001406615.1 and 10 more transcripts); c.-512G>A (NM_001406626.1, NM_001406627.1, NM_001406628.1); c.-654G>A (NM_001406629.1); c.-728G>A (NM_001406630.1); short protein forms M1I, M122I, M71I.
Identifiers: ClinVar variation 2763359 (VCV002763359.3), dbSNP rs2539043597, ClinGen allele CA375373768.